The following is an entry in ClinVar:

ClinVar aggregate classification (germline): Uncertain significance (1 of 4 stars; one submission).

Conditions:
Mucopolysaccharidosis type 6 (MPS6). Also called: N-ACETYLGALACTOSAMINE-4-SULFATASE DEFICIENCY; MPS VI; MPS 6; Maroteaux Lamy syndrome; ARSB DEFICIENCY; ARYLSULFATASE B DEFICIENCY. Identifiers: Orphanet 583, MedGen C0026709, MONDO:0009661, OMIM 253200.

Submission:

Laboratory of Diagnosis and Therapy of Lysosomal Disorders, University of Padova
Classification: Uncertain significance for Mucopolysaccharidosis type 6. Last evaluated: 2018-01-01. Review status: criteria provided, single submitter. Criteria: ACMG Guidelines, 2015. Collection method: curation. Allele origin: germline. Affected: yes.
Comment: Located in a well-established functional domain (PM1); Absent from GnomAD (PM2); Multiple lines of computational evidence support a deleterious effect on the gene product (PP3)

Literature cited by the submitters: PubMed 26909334; PubMed 30118150.

NM_000046.5(ARSB):c.900T>G (p.Asp300Glu)

Gene: ARSB (arylsulfatase B; minus strand). Cytogenetic location: 5q14.1.
Variant type: single nucleotide variant.
Coding change: c.900T>G on transcript NM_000046.5 (MANE Select); coding-DNA position 900, T replaced by G.
Protein change: p.Asp300Glu; replaces aspartic acid 300 with glutamic acid.
Molecular consequence: missense variant.
Genome position (GRCh38, 1-based): chr5:78,885,826, A>C on the plus strand (T>G on the coding strand, the complement: ARSB is on the minus strand). VCF-style: chr5-78885826-A-C. GRCh37 (hg19) VCF-style: chr5-78181649-A-C.
Other names: c.900T>G, p.Asp300Glu (NM_198709.3); short protein forms D300E.
Identifiers: ClinVar variation 559820 (VCV000559820.1), dbSNP rs1280123243, ClinGen allele CA360343566.